The following is an entry in ClinVar:

NM_000138.5(FBN1):c.4863del (p.Lys1621fs)

Gene: FBN1 (fibrillin 1; minus strand). Cytogenetic location: 15q21.1.
Variant type: Deletion.
Coding change: c.4863del on transcript NM_000138.5 (MANE Select); coding-DNA position 4863, one base deleted (A; older notation c.4863delA).
Protein change: p.Lys1621fs; shifts the reading frame from lysine 1621.
Molecular consequence: frameshift variant.
Genome position (GRCh38, 1-based): chr15:48,465,647, T deleted on the plus strand (A on the coding strand, the reverse complement: FBN1 is on the minus strand); the first of 4 consecutive T bases (chr15:48,465,647-48,465,650); deleting any one gives the same sequence. VCF-style (leftmost placement, unchanged base first): chr15-48465646-AT-A. GRCh37 (hg19) VCF-style: chr15-48757843-AT-A.
Other names: c.4863del, p.Lys1621fs (NM_001406716.1); c.4863delA (NM_000138.4); short protein forms K1621fs.
Identifiers: ClinVar variation 4635359 (VCV004635359.1).

ClinVar aggregate classification (germline): Pathogenic (1 of 4 stars; one submission).

Conditions:
Familial thoracic aortic aneurysm and aortic dissection (TAAD). Also called: Thoracic aortic aneurysms and dissections. Identifiers: Orphanet 91387, MedGen C4707243, MONDO:0019625.

Submission:

Ambry Genetics
Classification: Pathogenic for Familial thoracic aortic aneurysm and aortic dissection. Last evaluated: 2025-11-17. Review status: criteria provided, single submitter. Criteria: Ambry Variant Classification Scheme 2023. Collection method: clinical testing. Allele origin: germline.
Comment: The c.4863delA pathogenic mutation, located in coding exon 39 of the FBN1 gene, results from a deletion of one nucleotide at nucleotide position 4863, causing a translational frameshift with a predicted alternate stop codon (p.K1621Nfs*19). This variant was reported in individual(s) with features consistent with Marfan syndrome (Stheneur C et al. Eur J Hum Genet, 2009 Sep;17:1121-8; Ambry internal data). This variant is considered to be rare based on population cohorts in the Genome Aggregation Database (gnomAD). This alteration is expected to result in loss of function by premature protein truncation or nonsense-mediated mRNA decay. As such, this alteration is interpreted as a disease-causing mutation.

Literature cited by the submitters: PubMed 19293843.